The following is an entry in ClinVar:

ClinVar aggregate classification (germline): Uncertain significance (1 of 4 stars; one submission).

Conditions:
FADD-related immunodeficiency. Also called: Infections, recurrent, with encephalopathy, hepatic dysfunction, and cardiovascular malformations; FADD DEFICIENCY. Identifiers: Orphanet 306550, MedGen C3151062, MONDO:0013408, OMIM 613759.

Allele frequency attached by ClinVar (database versions not stated): gnomAD 0.00001.
gnomAD v4.1: 6 of 1,614,068 alleles (0.00037%); highest among the groups gnomAD compares: African/African-American, 0.0013%; no homozygotes.

Submission:

Labcorp Genetics (formerly Invitae), Labcorp
Classification: Uncertain significance for FADD-related immunodeficiency. Last evaluated: 2022-05-15. Review status: criteria provided, single submitter. Criteria: Invitae Variant Classification Sherloc (09022015). Collection method: clinical testing. Allele origin: germline.
Comment: Algorithms developed to predict the effect of missense changes on protein structure and function are either unavailable or do not agree on the potential impact of this missense change (SIFT: "Tolerated"; PolyPhen-2: "Probably Damaging"; Align-GVGD: "Class C0"). This sequence change replaces asparagine, which is neutral and polar, with lysine, which is basic and polar, at codon 171 of the FADD protein (p.Asn171Lys). This variant is present in population databases (no rsID available, gnomAD 0.0009%). This variant has not been reported in the literature in individuals affected with FADD-related conditions. In summary, the available evidence is currently insufficient to determine the role of this variant in disease. Therefore, it has been classified as a Variant of Uncertain Significance.

NM_003824.4(FADD):c.513C>A (p.Asn171Lys)

Gene: FADD (Fas associated via death domain; plus strand). Cytogenetic location: 11q13.3.
Variant type: single nucleotide variant.
Coding change: c.513C>A on transcript NM_003824.4 (MANE Select); coding-DNA position 513, C replaced by A.
Protein change: p.Asn171Lys; replaces asparagine 171 with lysine.
Molecular consequence: missense variant.
Genome position (GRCh38, 1-based): chr11:70,206,359, C>A. VCF-style: chr11-70206359-C-A. GRCh37 (hg19) VCF-style: chr11-70052465-C-A.
Other names: short protein forms N171K.
Identifiers: ClinVar variation 2044254 (VCV002044254.4), dbSNP rs1362474881, ClinGen allele CA381666374.